The following is an entry in ClinVar:

ClinVar aggregate classification (germline): Uncertain significance (1 of 4 stars; one submission).

Conditions:
Pyridoxine-dependent epilepsy (EPEO4). Also called: Pyridoxine-Dependent Epilepsy - ALDH7A1; EPILEPSY, EARLY-ONSET, 4, VITAMIN B6-DEPENDENT; PYRIDOXINE DEPENDENCY WITH SEIZURES; Pyridoxine-Dependent Seizures. Identifiers: Orphanet 3006, MedGen C1849508, MONDO:0009945, OMIM 266100. Disease mechanism: loss of function.

Submission:

Labcorp Genetics (formerly Invitae), Labcorp
Classification: Uncertain significance for Pyridoxine-dependent epilepsy. Last evaluated: 2026-01-11. Review status: criteria provided, single submitter. Criteria: Invitae Variant Classification Sherloc (09022015). Collection method: clinical testing. Allele origin: germline.
Comment: This sequence change replaces leucine, which is neutral and non-polar, with proline, which is neutral and non-polar, at codon 216 of the ALDH7A1 protein (p.Leu216Pro). This variant is not present in population databases (gnomAD no frequency). This variant has not been reported in the literature in individuals affected with ALDH7A1-related conditions. ClinVar contains an entry for this variant (Variation ID: 857498). Invitae Evidence Modeling of protein sequence and biophysical properties (such as structural, functional, and spatial information, amino acid conservation, physicochemical variation, residue mobility, and thermodynamic stability) indicates that this missense variant is expected to disrupt ALDH7A1 protein function with a positive predictive value of 95%. In summary, the available evidence is currently insufficient to determine the role of this variant in disease. Therefore, it has been classified as a Variant of Uncertain Significance.

NM_001182.5(ALDH7A1):c.647T>C (p.Leu216Pro)

Gene: ALDH7A1 (aldehyde dehydrogenase 7 family member A1; minus strand). Cytogenetic location: 5q23.2.
Variant type: single nucleotide variant.
Coding change: c.647T>C on transcript NM_001182.5 (MANE Select); coding-DNA position 647, T replaced by C.
Protein change: p.Leu216Pro; replaces leucine 216 with proline.
Molecular consequence: missense variant.
Genome position (GRCh38, 1-based): chr5:126,577,082, A>G on the plus strand (T>C on the coding strand, the complement: ALDH7A1 is on the minus strand). VCF-style: chr5-126577082-A-G. GRCh37 (hg19) VCF-style: chr5-125912774-A-G.
Other names: c.563T>C, p.Leu188Pro (NM_001201377.2); c.647T>C, p.Leu216Pro (NM_001202404.2); short protein forms L216P, L188P.
Identifiers: ClinVar variation 857498 (VCV000857498.6), dbSNP rs1750999017, ClinGen allele CA360730934.